The following is an entry in ClinVar:

ClinVar aggregate classification (germline): Uncertain significance (1 of 4 stars; one submission).

Allele frequency attached by ClinVar (database versions not stated): gnomAD exomes below 0.00001; TOPMed below 0.00001; gnomAD 0.00001.
gnomAD v4.1: 2 of 1,550,434 alleles (0.00013%); highest among the groups gnomAD compares: Non-Finnish European, 0.00017%; no homozygotes.

Submission:

Labcorp Genetics (formerly Invitae), Labcorp
Classification: Uncertain significance. Last evaluated: 2022-09-23. Review status: criteria provided, single submitter. Criteria: Invitae Variant Classification Sherloc (09022015). Collection method: clinical testing. Allele origin: germline.
Comment: In summary, the available evidence is currently insufficient to determine the role of this variant in disease. Therefore, it has been classified as a Variant of Uncertain Significance. This sequence change replaces arginine, which is basic and polar, with serine, which is neutral and polar, at codon 1167 of the TET2 protein (p.Arg1167Ser). This variant is not present in population databases (gnomAD no frequency). This variant has not been reported in the literature in individuals affected with TET2-related conditions. Algorithms developed to predict the effect of missense changes on protein structure and function are either unavailable or do not agree on the potential impact of this missense change (SIFT: "Deleterious"; PolyPhen-2: "Probably Damaging"; Align-GVGD: "Class C0").

NM_001127208.3(TET2):c.3501G>T (p.Arg1167Ser)

Genes: TET2 (tet methylcytosine dioxygenase 2; plus strand), TET2-AS1 (TET2 antisense RNA 1; minus strand). Cytogenetic location: 4q24.
Variant type: single nucleotide variant.
Coding change: c.3501G>T on transcript NM_001127208.3 (MANE Select); coding-DNA position 3501, G replaced by T.
Protein change: p.Arg1167Ser; replaces arginine 1167 with serine.
Molecular consequence: missense variant.
Genome position (GRCh38, 1-based): chr4:105,242,834, G>T. VCF-style: chr4-105242834-G-T. GRCh37 (hg19) VCF-style: chr4-106163991-G-T.
Other names: short protein forms R1167S.
Identifiers: ClinVar variation 2032104 (VCV002032104.4), dbSNP rs1432470327, ClinGen allele CA357804391.